The following is an entry in ClinVar:

NM_015681.6(B9D1):c.55A>C (p.Ser19Arg)

Genes: B9D1 (B9 domain containing 1; minus strand), LOC130060455 (ATAC-STARR-seq lymphoblastoid silent region 8288; plus strand). Cytogenetic location: 17p11.2.
Variant type: single nucleotide variant.
Coding change: c.55A>C on transcript NM_015681.6 (MANE Select); coding-DNA position 55, A replaced by C.
Protein change: p.Ser19Arg; replaces serine 19 with arginine.
Molecular consequence: missense variant. On other transcripts: intron variant (1).
Genome position (GRCh38, 1-based): chr17:19,362,515, T>G on the plus strand (A>C on the coding strand, the complement: B9D1 is on the minus strand). VCF-style: chr17-19362515-T-G. GRCh37 (hg19) VCF-style: chr17-19265828-T-G.
Other names: c.55A>C, p.Ser19Arg (NM_001321214.2, NM_001321215.3, NM_001321216.2 and 4 more transcripts); c.-297-2127A>C (NM_001368769.2); short protein forms S19R.
Identifiers: ClinVar variation 2094731 (VCV002094731.4), dbSNP rs1280021718, ClinGen allele CA398699810.

ClinVar aggregate classification (germline): Uncertain significance (1 of 4 stars; one submission).

Conditions:
Joubert syndrome. Also called: CEREBELLOPARENCHYMAL DISORDER IV; JOUBERT-BOLTSHAUSER SYNDROME; Familial aplasia of the vermis. Identifiers: Orphanet 475, MedGen C5979921, MONDO:0018772.
Meckel-Gruber syndrome. Also called: DYSENCEPHALIA SPLANCHNOCYSTICA; GRUBER SYNDROME; Dysencephalia splachnocystica. Identifiers: Orphanet 564, MedGen C0265215, MONDO:0018921.

Allele frequency attached by ClinVar (database versions not stated): gnomAD exomes below 0.00001; TOPMed below 0.00001; gnomAD 0.00001.
gnomAD v4.1: 6 of 1,573,222 alleles (0.00038%); highest among the groups gnomAD compares: Non-Finnish European, 0.00052%; no homozygotes.

Submission:

Labcorp Genetics (formerly Invitae), Labcorp
Classification: Uncertain significance for Joubert syndrome; Meckel-Gruber syndrome. Last evaluated: 2022-02-23. Review status: criteria provided, single submitter. Criteria: Invitae Variant Classification Sherloc (09022015). Collection method: clinical testing. Allele origin: germline.
Comment: This sequence change replaces serine, which is neutral and polar, with arginine, which is basic and polar, at codon 19 of the B9D1 protein (p.Ser19Arg). In summary, the available evidence is currently insufficient to determine the role of this variant in disease. Therefore, it has been classified as a Variant of Uncertain Significance. Algorithms developed to predict the effect of missense changes on protein structure and function are either unavailable or do not agree on the potential impact of this missense change (SIFT: "Deleterious"; PolyPhen-2: "Benign"; Align-GVGD: "Class C15"). This variant has not been reported in the literature in individuals affected with B9D1-related conditions. This variant is not present in population databases (gnomAD no frequency).